The following is an entry in ClinVar:

NM_006236.3(POU3F3):c.875C>A (p.Pro292Gln)

Gene: POU3F3 (POU class 3 homeobox 3; plus strand). Cytogenetic location: 2q12.1.
Variant type: single nucleotide variant.
Coding change: c.875C>A on transcript NM_006236.3 (MANE Select); coding-DNA position 875, C replaced by A.
Protein change: p.Pro292Gln; replaces proline 292 with glutamine.
Molecular consequence: missense variant.
Genome position (GRCh38, 1-based): chr2:104,856,385, C>A. VCF-style: chr2-104856385-C-A. GRCh37 (hg19) VCF-style: chr2-105472843-C-A.
Other names: c.875C>A (NM_006236.1); short protein forms P292Q.
Identifiers: ClinVar variation 3257624 (VCV003257624.19).

ClinVar aggregate classification (germline): Benign/Likely benign. Review status: criteria provided, multiple submitters, no conflicts (2 of 4 stars). 3 submissions from 3 submitters: Benign (1); Likely benign (2). Last evaluated 2025-02-08.

Conditions:
Intellectual disability. Also called: intellectual disabilities; Intellectual developmental disorder; Intellectual functioning disability. Identifiers: MedGen C3714756, MeSH D008607, MONDO:0001071, HP:0001249.
Inborn genetic diseases. Identifiers: MedGen C0950123, MeSH D030342.

gnomAD v4.1: 145 of 1,560,682 alleles (0.0093%); highest among the groups gnomAD compares: Admixed American, 0.032%; 1 homozygote.

Submissions (3):

Ambry Genetics
Classification: Likely benign for Inborn genetic diseases. Last evaluated: 2025-02-08. Review status: criteria provided, single submitter. Criteria: Ambry Variant Classification Scheme 2023. Collection method: clinical testing. Allele origin: germline.

CeGaT Center for Human Genetics Tuebingen
Classification: Likely benign. Last evaluated: 2024-10-01. Review status: criteria provided, single submitter. Criteria: CeGaT Center For Human Genetics Tuebingen Variant Classification Criteria Version 2. Collection method: clinical testing. Allele origin: germline. Affected: yes. Observed: 2 variant alleles.
Comment: POU3F3: BS2

Cambridge Genomics Laboratory, East Genomic Laboratory Hub, NHS Genomic Medicine Service
Classification: Benign for Intellectual disability. Last evaluated: 2020-03-30. Review status: criteria provided, single submitter. Criteria: ACGS Best Practice Guidelines for Variant Classification in Rare Disease 2020. Collection method: clinical testing. Allele origin: germline. Affected: yes. Observed: 1 variant allele.